The following is an entry in ClinVar:

ClinVar aggregate classification (germline): Uncertain significance (1 of 4 stars; one submission).

Conditions:
Congenital disorder of glycosylation, type Ii. Also called: ALG2-congenital disorder of glycosylation; ALG2-CDG; CDG Ii. Identifiers: Orphanet 79326, MedGen C1842836, MONDO:0011933, OMIM 607906.
Congenital myasthenic syndrome 14. Also called: Myasthenic syndrome, congenital, 14, with tubular aggregates. Identifiers: Orphanet 353327, Orphanet 590, MedGen C4015597, MONDO:0014543, OMIM 616228.

Submission:

Labcorp Genetics (formerly Invitae), Labcorp
Classification: Uncertain significance for Congenital disorder of glycosylation, type Ii; Congenital myasthenic syndrome 14. Last evaluated: 2022-03-17. Review status: criteria provided, single submitter. Criteria: Invitae Variant Classification Sherloc (09022015). Collection method: clinical testing. Allele origin: germline.
Comment: In summary, the available evidence is currently insufficient to determine the role of this variant in disease. Therefore, it has been classified as a Variant of Uncertain Significance. Algorithms developed to predict the effect of missense changes on protein structure and function (SIFT, PolyPhen-2, Align-GVGD) all suggest that this variant is likely to be tolerated. This variant has not been reported in the literature in individuals affected with ALG2-related conditions. This variant is not present in population databases (gnomAD no frequency). This sequence change replaces leucine, which is neutral and non-polar, with methionine, which is neutral and non-polar, at codon 227 of the ALG2 protein (p.Leu227Met).

NM_033087.4(ALG2):c.679C>A (p.Leu227Met)

Gene: ALG2 (ALG2 alpha-1,3/1,6-mannosyltransferase; minus strand). Cytogenetic location: 9q22.33.
Variant type: single nucleotide variant.
Coding change: c.679C>A on transcript NM_033087.4 (MANE Select); coding-DNA position 679, C replaced by A.
Protein change: p.Leu227Met; replaces leucine 227 with methionine.
Molecular consequence: missense variant. On other transcripts: non-coding transcript variant (1).
Genome position (GRCh38, 1-based): chr9:99,218,506, G>T on the plus strand (C>A on the coding strand, the complement: ALG2 is on the minus strand). VCF-style: chr9-99218506-G-T. GRCh37 (hg19) VCF-style: chr9-101980788-G-T.
Other names: short protein forms L227M.
Identifiers: ClinVar variation 1381001 (VCV001381001.8), dbSNP rs1308983324, ClinGen allele CA374228377.